The following is an entry in ClinVar:

NM_003859.3(DPM1):c.679-6_679-5del

Genes: ADNP-AS1 (ADNP antisense RNA 1; plus strand), DPM1 (dolichyl-phosphate mannosyltransferase subunit 1, catalytic; minus strand). Cytogenetic location: 20q13.13.
Variant type: Deletion.
Coding change: c.679-6_679-5del on transcript NM_003859.3 (MANE Select); 6 bases into the intron before coding-DNA position 679 through 5 bases into the intron before coding-DNA position 679, 2 bases deleted (AA; older notation c.679-6_679-5delAA).
Molecular consequence: intron variant.
Genome position (GRCh38, 1-based): chr20:50,935,241-50,935,242, TT deleted on the plus strand (AA on the coding strand, the reverse complement: DPM1 is on the minus strand); deleting any 2 consecutive bases within chr20:50,935,241-50,935,243 gives the same sequence; the c. name uses the placement nearest the transcript's 3' end. VCF-style (leftmost placement, unchanged base first): chr20-50935240-GTT-G. GRCh37 (hg19) VCF-style: chr20-49551777-GTT-G.
Other names: c.610-6_610-5del (NM_001317036.1); c.760-6_760-5del (NM_001317035.1); c.784-6_784-5del (NM_001317034.1).
Identifiers: ClinVar variation 5001398 (VCV005001398.1).
Genomic context (GRCh38, chr20:50,935,240, plus strand): 5'-TTCATTTCCTCCCAACTTGGATTCACCATAAACACGATCCACAAATGATATTGGAACCTA[GTT>G]TAAAAAAAAAAAAGTAACGTTAGTCTTTAAAAACAATTAGGCAGCTTAGCCGGTATACCA-3'

ClinVar aggregate classification (germline): Likely benign (1 of 4 stars; one submission).

Conditions:
DPM1-related disorder. Also called: DPM1-related condition.

Submission:

PreventionGenetics, part of Exact Sciences
Classification: Likely benign for DPM1-related condition. Last evaluated: 2024-10-29. Review status: criteria provided, single submitter. Criteria: ACMG Guidelines, 2015. Collection method: clinical testing. Allele origin: germline.
Comment: This variant is classified as likely benign based on ACMG/AMP sequence variant interpretation guidelines (Richards et al. 2015 PMID: 25741868, with internal and published modifications).